The following is an entry in ClinVar:

NM_001378778.1(MPDZ):c.3219G>A (p.Met1073Ile)

Gene: MPDZ (multiple PDZ domain crumbs cell polarity complex component; minus strand). Cytogenetic location: 9p23.
Variant type: single nucleotide variant.
Coding change: c.3219G>A on transcript NM_001378778.1 (MANE Select); coding-DNA position 3219, G replaced by A.
Protein change: p.Met1073Ile; replaces methionine 1073 with isoleucine.
Molecular consequence: missense variant.
Genome position (GRCh38, 1-based): chr9:13,168,401, C>T on the plus strand (G>A on the coding strand, the complement: MPDZ is on the minus strand). VCF-style: chr9-13168401-C-T. GRCh37 (hg19) VCF-style: chr9-13168400-C-T.
Other names: c.3219G>A, p.Met1073Ile (NM_001261406.2, NM_001261407.2, NM_001330637.2 and 14 more transcripts); c.3219G>A (NM_003829.3); short protein forms M1073I.
Identifiers: ClinVar variation 1389276 (VCV001389276.4), dbSNP rs749447743, ClinGen allele CA4987220.

ClinVar aggregate classification (germline): Uncertain significance. Review status: criteria provided, multiple submitters, no conflicts (2 of 4 stars). 2 submissions from 2 submitters: Uncertain significance (2). Last evaluated 2024-04-04.

Conditions:
Inborn genetic diseases. Identifiers: MedGen C0950123, MeSH D030342.

Allele frequency attached by ClinVar (database versions not stated): TOPMed 0.00001; gnomAD exomes 0.00002; gnomAD 0.00001; ExAC 0.00002.

Submissions (2):

Ambry Genetics
Classification: Uncertain significance for Inborn genetic diseases. Last evaluated: 2024-04-04. Review status: criteria provided, single submitter. Criteria: Ambry Variant Classification Scheme 2023. Collection method: clinical testing. Allele origin: germline.

Labcorp Genetics (formerly Invitae), Labcorp
Classification: Uncertain significance. Last evaluated: 2022-05-06. Review status: criteria provided, single submitter. Criteria: Invitae Variant Classification Sherloc (09022015). Collection method: clinical testing. Allele origin: germline.
Comment: This sequence change replaces methionine, which is neutral and non-polar, with isoleucine, which is neutral and non-polar, at codon 1073 of the MPDZ protein (p.Met1073Ile). This variant is present in population databases (rs749447743, gnomAD 0.02%). This variant has not been reported in the literature in individuals affected with MPDZ-related conditions. Algorithms developed to predict the effect of missense changes on protein structure and function are either unavailable or do not agree on the potential impact of this missense change (SIFT: "Deleterious"; PolyPhen-2: "Benign"; Align-GVGD: "Class C0"). In summary, the available evidence is currently insufficient to determine the role of this variant in disease. Therefore, it has been classified as a Variant of Uncertain Significance.